The following is an entry in ClinVar:

NM_001303620.2(DNASE1L1):c.486C>T (p.Tyr162=)

Gene: DNASE1L1 (deoxyribonuclease 1 like 1; minus strand). Cytogenetic location: Xq28.
Variant type: single nucleotide variant.
Coding change: c.486C>T on transcript NM_001303620.2 (MANE Select); coding-DNA position 486, C replaced by T.
Protein change: p.Tyr162=; no amino-acid change (tyrosine 162 retained).
Molecular consequence: synonymous variant.
Genome position (GRCh38, 1-based): chrX:154,403,308, G>A on the plus strand (C>T on the coding strand, the complement: DNASE1L1 is on the minus strand). VCF-style: chrX-154403308-G-A. GRCh37 (hg19) VCF-style: chrX-153631649-G-A.
Other names: c.486C>T, p.Tyr162= (NM_001009932.3, NM_001009933.3, NM_001009934.3 and 1 more transcripts).
Identifiers: ClinVar variation 2661802 (VCV002661802.24), dbSNP rs368820912, ClinGen allele CA10562075.

ClinVar aggregate classification (germline): Likely benign (1 of 4 stars; one submission).

Allele frequency attached by ClinVar (database versions not stated): ESP Exome Variant Server 0.00019; TOPMed 0.00042; gnomAD 0.00050.
gnomAD v4.1: 561 of 1,209,837 alleles (0.046%); highest among the groups gnomAD compares: Non-Finnish European, 0.058%; 1 homozygote.

Submission:

CeGaT Center for Human Genetics Tuebingen
Classification: Likely benign. Last evaluated: 2022-08-01. Review status: criteria provided, single submitter. Criteria: CeGaT Center For Human Genetics Tuebingen Variant Classification Criteria Version 2. Collection method: clinical testing. Allele origin: germline. Affected: yes. Observed: 1 variant allele.
Comment: DNASE1L1: BP4, BP7